The following is an entry in ClinVar:

NM_001029883.3(PCARE):c.1477G>C (p.Glu493Gln)

Gene: PCARE (photoreceptor cilium actin regulator; minus strand). Cytogenetic location: 2p23.2.
Variant type: single nucleotide variant.
Coding change: c.1477G>C on transcript NM_001029883.3 (MANE Select); coding-DNA position 1477, G replaced by C.
Protein change: p.Glu493Gln; replaces glutamic acid 493 with glutamine.
Molecular consequence: missense variant.
Genome position (GRCh38, 1-based): chr2:29,072,785, C>G on the plus strand (G>C on the coding strand, the complement: PCARE is on the minus strand). VCF-style: chr2-29072785-C-G. GRCh37 (hg19) VCF-style: chr2-29295651-C-G.
Other names: short protein forms E493Q.
Identifiers: ClinVar variation 1041609 (VCV001041609.8), dbSNP rs1212677382, ClinGen allele CA346480103.
Genomic context (GRCh38, chr2:29,072,785, plus strand): 5'-TTGAATGTGGAGTTTTTTCCTGCCAGGCACACAGACTCATGCTGCTCATTTTGTCTTCCT[C>G]CTCCTCCTCTGGGCTGCTGTCCTCGCTGTCACTAAGAGATGAAGCGTCCATCGGCCTGGA-3'
Protein context (NP_001025054.1, residues 483-503): DSEDSSPEEE[Glu493Gln]EDKMSSMSLC

ClinVar aggregate classification (germline): Uncertain significance (1 of 4 stars; one submission).

Allele frequency attached by ClinVar (database versions not stated): gnomAD exomes below 0.00001; gnomAD 0.00002; TOPMed 0.00003.
gnomAD v4.1: 6 of 1,614,012 alleles (0.00037%); highest among the groups gnomAD compares: African/African-American, 0.008%; no homozygotes.

Submission:

Labcorp Genetics (formerly Invitae), Labcorp
Classification: Uncertain significance. Last evaluated: 2025-01-15. Review status: criteria provided, single submitter. Criteria: Invitae Variant Classification Sherloc (09022015). Collection method: clinical testing. Allele origin: germline.
Comment: This sequence change replaces glutamic acid, which is acidic and polar, with glutamine, which is neutral and polar, at codon 493 of the PCARE protein (p.Glu493Gln). This variant is present in population databases (no rsID available, gnomAD 0.008%). This variant has not been reported in the literature in individuals affected with PCARE-related conditions. ClinVar contains an entry for this variant (Variation ID: 1041609). An algorithm developed to predict the effect of missense changes on protein structure and function (PolyPhen-2) suggests that this variant is likely to be disruptive. In summary, the available evidence is currently insufficient to determine the role of this variant in disease. Therefore, it has been classified as a Variant of Uncertain Significance.